The following is an entry in ClinVar:

ClinVar aggregate classification (germline): Pathogenic. Review status: criteria provided, multiple submitters, no conflicts (2 of 4 stars). 2 submissions from 2 submitters: Pathogenic (2). Last evaluated 2023-06-28.

Conditions:
Hereditary cancer-predisposing syndrome. Also called: Hereditary Cancer Syndrome; Tumor predisposition; Neoplastic Syndromes, Hereditary; Hereditary neoplastic syndrome. Identifiers: Orphanet 140162, MedGen C0027672, MeSH D009386, MONDO:0015356.

Allele frequency attached by ClinVar (database versions not stated): gnomAD exomes below 0.00001.

Submissions (2):

Ambry Genetics
Classification: Pathogenic for Hereditary cancer-predisposing syndrome. Last evaluated: 2023-06-28. Review status: criteria provided, single submitter. Criteria: Ambry Variant Classification Scheme 2023. Collection method: clinical testing. Allele origin: germline.
Comment: The p.Q502* pathogenic mutation (also known as c.1504C>T), located in coding exon 10 of the FLCN gene, results from a C to T substitution at nucleotide position 1504. This changes the amino acid from a glutamine to a stop codon within coding exon 10. This alteration has been reported in individuals with Birt-Hogg-Dube syndrome (Sattler EC et al. PLoS One, 2018 Dec;13:e0209504). This variant is considered to be rare based on population cohorts in the Genome Aggregation Database (gnomAD). In addition to the clinical data presented in the literature, this alteration is expected to result in loss of function by premature protein truncation or nonsense-mediated mRNA decay. As such, this alteration is interpreted as a disease-causing mutation.

GeneDx
Classification: Pathogenic. Last evaluated: 2016-10-17. Review status: criteria provided, single submitter. Criteria: GeneDx Variant Classification (06012015). Collection method: clinical testing. Allele origin: germline. Affected: yes.
Comment: The Q502X nonsense variant in the FLCN gene has not been reported previously as a pathogenic variant, nor as a benign variant, to our knowledge. This variant is predicted to cause loss of normal protein function through protein truncation. Based on currently available evidence, Q502X is a strong candidate for a pathogenic variant. However, the possibility it may be a rare benign variant cannot be excluded.

Literature cited by the submitters: PubMed 30586397 (cited by Ambry Genetics).

NM_144997.7(FLCN):c.1504C>T (p.Gln502Ter)

Gene: FLCN (folliculin; minus strand). Cytogenetic location: 17p11.2.
Variant type: single nucleotide variant.
Coding change: c.1504C>T on transcript NM_144997.7 (MANE Select); coding-DNA position 1504, C replaced by T.
Protein change: p.Gln502Ter; replaces glutamine 502 with a stop codon.
Molecular consequence: nonsense.
Genome position (GRCh38, 1-based): chr17:17,215,019, G>A on the plus strand (C>T on the coding strand, the complement: FLCN is on the minus strand). VCF-style: chr17-17215019-G-A. GRCh37 (hg19) VCF-style: chr17-17118333-G-A.
Other names: c.1558C>T, p.Gln520Ter (NM_001353229.2); c.1504C>T, p.Gln502Ter (NM_001353230.2, NM_001353231.2); c.1504C>T (LRG_325t1); short protein forms Q502*, Q520*.
Identifiers: ClinVar variation 280915 (VCV000280915.4), dbSNP rs886042033, ClinGen allele CA10603572.